The following is an entry in ClinVar:

ClinVar aggregate classification (germline): Benign. Review status: criteria provided, multiple submitters, no conflicts (2 of 4 stars). 8 submissions from 8 submitters: Benign (8). Last evaluated 2026-02-01.

Conditions:
Usher syndrome type 2C. Also called: Usher syndrome, type 2B; USHER SYNDROME, TYPE IIC. Identifiers: Orphanet 231178, Orphanet 886, MedGen C2931213, MONDO:0011558, OMIM 605472.

Allele frequency attached by ClinVar (database versions not stated): gnomAD exomes 0.00170 and 0.00435; ExAC 0.00526; gnomAD 0.01831 and 0.01974; 1000 Genomes Project 30x 0.02061; ESP Exome Variant Server 0.01868; 1000 Genomes Project 0.01977; TOPMed 0.02039.
gnomAD v4.1: 5,365 of 1,611,100 alleles (0.33%); highest among the groups gnomAD compares: African/African-American, 6.3%; 152 homozygotes.

Submissions (8):

Labcorp Genetics (formerly Invitae), Labcorp
Classification: Benign. Last evaluated: 2026-02-01. Review status: criteria provided, single submitter. Criteria: Invitae Variant Classification Sherloc (09022015). Collection method: clinical testing. Allele origin: germline.

Athena Diagnostics
Classification: Benign. Last evaluated: 2024-12-09. Review status: criteria provided, single submitter. Criteria: Athena Diagnostics Criteria. Collection method: clinical testing. Allele origin: unknown.
Comment: The frequency of this variant in the general population is higher than would generally be expected for pathogenic variants in this gene.

ARUP Laboratories, Molecular Genetics and Genomics, ARUP Laboratories
Classification: Benign. Last evaluated: 2023-10-16. Review status: criteria provided, single submitter. Criteria: ARUP Molecular Germline Variant Investigation Process 2024. Collection method: clinical testing. Allele origin: germline.

Mayo Clinic Laboratories, Mayo Clinic
Classification: Benign. Last evaluated: 2020-10-05. Review status: criteria provided, single submitter. Criteria: ACMG Guidelines, 2015. Collection method: clinical testing. Allele origin: germline. Observed: 3 variant alleles.

Illumina Laboratory Services, Illumina
Classification: Benign for Usher syndrome type 2C. Last evaluated: 2018-01-13. Review status: criteria provided, single submitter. Criteria: ICSL Variant Classification Criteria 13 December 2019. Collection method: clinical testing. Allele origin: germline.
Comment: This variant was observed in the ICSL laboratory as part of a predisposition screen in an ostensibly healthy population. It had not been previously curated by ICSL or reported in the Human Gene Mutation Database (HGMD: prior to June 1st, 2018), and was therefore a candidate for classification through an automated scoring system. Utilizing variant allele frequency, disease prevalence and penetrance estimates, and inheritance mode, an automated score was calculated to assess if this variant is too frequent to cause the disease. Based on the score and internal cut-off values, a variant classified as benign is not then subjected to further curation. The score for this variant resulted in a classification of benign for this disease.

GeneDx
Classification: Benign. Last evaluated: 2014-03-06. Review status: criteria provided, single submitter. Criteria: GeneDx Variant Classification (06012015). Collection method: clinical testing. Allele origin: germline. Affected: yes.
Comment: This variant is considered likely benign or benign based on one or more of the following criteria: it is a conservative change, it occurs at a poorly conserved position in the protein, it is predicted to be benign by multiple in silico algorithms, and/or has population frequency not consistent with disease.

Laboratory for Molecular Medicine, Mass General Brigham Personalized Medicine
Classification: Benign. Last evaluated: 2012-05-07. Review status: criteria provided, single submitter. Criteria: LMM Criteria. Collection method: clinical testing. Allele origin: germline. Observed: 23 variant alleles.
Comment: "Asp667Asp in Exon 10 of GPR98: This variant is not expected to have clinical si gnificance because it does not alter an amino acid residue, is not located withi n the splice consensus sequence, and has been identified in 5.7% (170/2998) of A frican American chromosomes from a broad population by the NHLBI Exome Sequencin g Project (dbSNP rs9293547)."

PreventionGenetics, part of Exact Sciences
Classification: Benign. Review status: criteria provided, single submitter. Criteria: ACMG Guidelines, 2015. Collection method: clinical testing. Allele origin: germline.

NM_032119.4(ADGRV1):c.2001T>C (p.Asp667=)

Gene: ADGRV1 (adhesion G protein-coupled receptor V1; plus strand). Cytogenetic location: 5q14.3.
Variant type: single nucleotide variant.
Coding change: c.2001T>C on transcript NM_032119.4 (MANE Select); coding-DNA position 2001, T replaced by C.
Protein change: p.Asp667=; no amino-acid change (aspartic acid 667 retained).
Molecular consequence: synonymous variant. On other transcripts: non-coding transcript variant (1).
Genome position (GRCh38, 1-based): chr5:90,635,275, T>C. VCF-style: chr5-90635275-T-C. GRCh37 (hg19) VCF-style: chr5-89931092-T-C.
Other names: p.D667D:GAT>GAC; p.Asp667=.
Identifiers: ClinVar variation 46304 (VCV000046304.31), dbSNP rs9293547, ClinGen allele CA138089.